The following is an entry in ClinVar:

ClinVar aggregate classification (germline): Uncertain significance. Review status: reviewed by expert panel (3 of 4 stars). 4 submissions from 4 submitters: Uncertain significance (1). 3 of the submissions do not count toward it. Last evaluated 2019-04-26.

Conditions:
Phenylketonuria (PKU). Also called: Phenylketonuria (PKU); OLIGOPHRENIA PHENYLPYRUVICA; Phenylketonurias; FOLLING DISEASE. Identifiers: Orphanet 716, MedGen C0031485, MONDO:0009861, OMIM 261600. Disease mechanism: loss of function.

Allele frequency attached by ClinVar (database versions not stated): gnomAD exomes 0.00001 and 0.00002; gnomAD 0.00001; TOPMed 0.00001; ESP Exome Variant Server 0.00008; ExAC 0.00001.
gnomAD v4.1: 31 of 1,611,646 alleles (0.0019%); highest among the groups gnomAD compares: Middle Eastern, 0.049%; no homozygotes.

Submissions (4):

ClinGen PAH Variant Curation Expert Panel
Classification: Uncertain significance for Phenylketonuria. Last evaluated: 2019-04-26. Review status: reviewed by expert panel. Criteria: ClinGen PAH ACMG Specifications v1. Collection method: curation. Allele origin: germline. Inheritance: Autosomal recessive inheritance.
Comment: PAH-specific ACMG/AMP criteria applied: PM2: Extremely low frequency. ESP MAF=0.00012.; Assessment of the PAH, PTS, and QDPR genes was performed. (PMID:21147011); PM3-supporting: Detected with V388M, pathogenic in ClinVar, but parental testing not performed. (PMID:21147011). In summary this variant meets criteria to be classified as uncertain significance for phenylketonuria in an autosomal recessive manner based on the ACMG/AMP criteria applied as specified by the PAH Expert Panel: (PM2, PP4_Moderate, PM3_supporting).

Fulgent Genetics
Classification: Uncertain significance for Phenylketonuria. Last evaluated: 2022-02-03. Review status: criteria provided, single submitter. Criteria: ACMG Guidelines, 2015. Collection method: clinical testing. Allele origin: unknown. Not counted in ClinVar's aggregate classification.

CeGaT Center for Human Genetics Tuebingen
Classification: Likely pathogenic. Last evaluated: 2019-11-01. Review status: criteria provided, single submitter. Criteria: CeGaT Center For Human Genetics Tuebingen Variant Classification Criteria Version 2. Collection method: clinical testing. Allele origin: germline. Affected: yes. Observed: 1 variant allele. Not counted in ClinVar's aggregate classification.

Eurofins Ntd Llc (ga)
Classification: Uncertain significance. Last evaluated: 2015-09-29. Review status: criteria provided, single submitter. Criteria: EGL Classification Definitions 2015. Collection method: clinical testing. Allele origin: germline. Observed: 2 variant alleles, 2 heterozygotes. Not counted in ClinVar's aggregate classification.

Literature cited by the submitters: PubMed 21147011 (cited by ClinGen PAH Variant Curation Expert Panel).

NM_000277.3(PAH):c.169G>A (p.Glu57Lys)

Gene: PAH (phenylalanine hydroxylase; minus strand). Cytogenetic location: 12q23.2.
Variant type: single nucleotide variant.
Coding change: c.169G>A on transcript NM_000277.3 (MANE Select); coding-DNA position 169, G replaced by A.
Protein change: p.Glu57Lys; replaces glutamic acid 57 with lysine.
Molecular consequence: missense variant.
Genome position (GRCh38, 1-based): chr12:102,894,918, C>T on the plus strand (G>A on the coding strand, the complement: PAH is on the minus strand). VCF-style: chr12-102894918-C-T. GRCh37 (hg19) VCF-style: chr12-103288696-C-T.
Other names: c.169G>A, p.Glu57Lys (NM_001354304.2); short protein forms E57K.
Identifiers: ClinVar variation 92737 (VCV000092737.47), dbSNP rs140945592, ClinGen allele CA220578.